The following is an entry in ClinVar:

NM_005068.3(SIM1):c.1076G>A (p.Ser359Asn)

Genes: SIM1 (SIM bHLH transcription factor 1; minus strand), SIM1-AS1 (SIM1 antisense RNA 1; plus strand). Cytogenetic location: 6q16.3.
Variant type: single nucleotide variant.
Coding change: c.1076G>A on transcript NM_005068.3 (MANE Select); coding-DNA position 1076, G replaced by A.
Protein change: p.Ser359Asn; replaces serine 359 with asparagine.
Molecular consequence: missense variant.
Genome position (GRCh38, 1-based): chr6:100,420,881, C>T on the plus strand (G>A on the coding strand, the complement: SIM1 is on the minus strand). VCF-style: chr6-100420881-C-T. GRCh37 (hg19) VCF-style: chr6-100868757-C-T.
Other names: c.1076G>A, p.Ser359Asn (NM_001374769.1); short protein forms S359N.
Identifiers: ClinVar variation 3344299 (VCV003344299.2).

ClinVar aggregate classification (germline): Uncertain significance (1 of 4 stars; one submission).

Conditions:
SIM1-related disorder. Also called: SIM1-related condition; SIM1-related disorders.

Submission:

PreventionGenetics, part of Exact Sciences
Classification: Uncertain significance for SIM1-related condition. Last evaluated: 2025-07-24. Review status: criteria provided, single submitter. Criteria: ACMG Guidelines, 2015. Collection method: clinical testing. Allele origin: germline.
Comment: The SIM1 c.1076G>A variant is predicted to result in the amino acid substitution p.Ser359Asn. To our knowledge, this variant has not been reported in the literature. This variant is reported in 0.011% of alleles in individuals of African descent in gnomAD. At this time, the clinical significance of this variant is uncertain due to the absence of conclusive functional and genetic evidence.